The following is an entry in ClinVar:

NM_000260.4(MYO7A):c.5730T>A (p.Asp1910Glu)

Gene: MYO7A (myosin VIIA; plus strand). Cytogenetic location: 11q13.5.
Variant type: single nucleotide variant.
Coding change: c.5730T>A on transcript NM_000260.4 (MANE Select); coding-DNA position 5730, T replaced by A.
Protein change: p.Asp1910Glu; replaces aspartic acid 1910 with glutamic acid.
Molecular consequence: missense variant.
Genome position (GRCh38, 1-based): chr11:77,206,190, T>A. VCF-style: chr11-77206190-T-A. GRCh37 (hg19) VCF-style: chr11-76917235-T-A.
Other names: c.5616T>A, p.Asp1872Glu (NM_001127180.2); c.5583T>A, p.Asp1861Glu (NM_001369365.1); c.5730T>A (NM_000260.3); short protein forms D1910E, D1861E, D1872E.
Identifiers: ClinVar variation 1038541 (VCV001038541.6), dbSNP rs751334238, ClinGen allele CA6198797.
Genomic context (GRCh38, chr11:77,206,190, plus strand): 5'-GGAGGTGGAGGCCATCCAGCACAAGACCACCCAGATTTTCCACAAAGTCTACTTCCCTGA[T>A]GACACTGACGAGGTGAGGGTCACCGGCTTCTAGGTCTGCAGTGCCCAGGACAGGGCCGGG-3'
Protein context (NP_000251.3, residues 1900-1920): TQIFHKVYFP[Asp1910Glu]DTDEAFEVES

ClinVar aggregate classification (germline): Uncertain significance. Review status: criteria provided, multiple submitters, no conflicts (2 of 4 stars). 3 submissions from 3 submitters: Uncertain significance (3). Last evaluated 2025-04-30.

Conditions:
MYO7A-related disorder. Also called: MYO7A-related disorders.

Allele frequency attached by ClinVar (database versions not stated): gnomAD exomes below 0.00001 and 0.00002; TOPMed below 0.00001; ExAC 0.00001; gnomAD 0.00001.
gnomAD v4.1: 34 of 1,612,184 alleles (0.0021%); highest among the groups gnomAD compares: Non-Finnish European, 0.0028%; no homozygotes.

Submissions (3):

PreventionGenetics, part of Exact Sciences
Classification: Uncertain significance for MYO7A-related condition. Last evaluated: 2025-04-30. Review status: criteria provided, single submitter. Criteria: ACMG Guidelines, 2015. Collection method: clinical testing. Allele origin: germline.
Comment: The MYO7A c.5730T>A variant is predicted to result in the amino acid substitution p.Asp1910Glu. This variant was reported, along with a second probable causative variant in the same gene, in individuals with retinitis pigmentosa (supplementary data, Stone et al. 2017. PubMed ID: 28559085; supplementary data, Lin et al. 2024. PubMed ID: 38219857). This variant is reported in 0.0016% of alleles in individuals of European (Non-Finnish) descent in gnomAD. At this time, the clinical significance of this variant is uncertain due to the absence of conclusive functional and genetic evidence.

Labcorp Genetics (formerly Invitae), Labcorp
Classification: Uncertain significance. Last evaluated: 2022-09-17. Review status: criteria provided, single submitter. Criteria: Invitae Variant Classification Sherloc (09022015). Collection method: clinical testing. Allele origin: germline.
Comment: This sequence change replaces aspartic acid, which is acidic and polar, with glutamic acid, which is acidic and polar, at codon 1910 of the MYO7A protein (p.Asp1910Glu). This variant is present in population databases (rs751334238, gnomAD 0.002%). This missense change has been observed in individual(s) with MYO7A-related conditions (PMID: 28559085; Invitae). ClinVar contains an entry for this variant (Variation ID: 1038541). Advanced modeling of protein sequence and biophysical properties (such as structural, functional, and spatial information, amino acid conservation, physicochemical variation, residue mobility, and thermodynamic stability) has been performed at Invitae for this missense variant, however the output from this modeling did not meet the statistical confidence thresholds required to predict the impact of this variant on MYO7A protein function. Algorithms developed to predict the effect of sequence changes on RNA splicing suggest that this variant may create or strengthen a splice site. In summary, the available evidence is currently insufficient to determine the role of this variant in disease. Therefore, it has been classified as a Variant of Uncertain Significance.

Blueprint Genetics
Classification: Uncertain significance. Last evaluated: 2019-10-15. Review status: criteria provided, single submitter. Criteria: ACMG Guidelines, 2015. Collection method: clinical testing. Allele origin: germline.

Literature cited by the submitters: PubMed 28559085 (cited by Labcorp Genetics (formerly Invitae), Labcorp).